The following is an entry in ClinVar:

NM_004836.7(EIF2AK3):c.1199C>G (p.Ser400Ter)

Gene: EIF2AK3 (eukaryotic translation initiation factor 2 alpha kinase 3; minus strand). Cytogenetic location: 2p11.2.
Variant type: single nucleotide variant.
Coding change: c.1199C>G on transcript NM_004836.7 (MANE Select); coding-DNA position 1199, C replaced by G.
Protein change: p.Ser400Ter; replaces serine 400 with a stop codon.
Molecular consequence: nonsense.
Genome position (GRCh38, 1-based): chr2:88,588,868, G>C on the plus strand (C>G on the coding strand, the complement: EIF2AK3 is on the minus strand). VCF-style: chr2-88588868-G-C. GRCh37 (hg19) VCF-style: chr2-88888386-G-C.
Other names: c.746C>G, p.Ser249Ter (NM_001313915.2); short protein forms S249*, S400*.
Identifiers: ClinVar variation 4764985 (VCV004764985.1).

ClinVar aggregate classification (germline): Pathogenic (1 of 4 stars; one submission).

Submission:

Labcorp Genetics (formerly Invitae), Labcorp
Classification: Pathogenic. Last evaluated: 2025-07-24. Review status: criteria provided, single submitter. Criteria: Invitae Variant Classification Sherloc (09022015). Collection method: clinical testing. Allele origin: germline.
Comment: This sequence change creates a premature translational stop signal (p.Ser400*) in the EIF2AK3 gene. It is expected to result in an absent or disrupted protein product. Loss-of-function variants in EIF2AK3 are known to be pathogenic (PMID: 11997520). This variant is not present in population databases (gnomAD no frequency). This variant has not been reported in the literature in individuals affected with EIF2AK3-related conditions. For these reasons, this variant has been classified as Pathogenic.

Literature cited by the submitters: PubMed 11997520.